The following is an entry in ClinVar:

NM_000350.3(ABCA4):c.4159G>A (p.Ala1387Thr)

Gene: ABCA4 (ATP binding cassette subfamily A member 4; minus strand). Cytogenetic location: 1p22.1.
Variant type: single nucleotide variant.
Coding change: c.4159G>A on transcript NM_000350.3 (MANE Select); coding-DNA position 4159, G replaced by A.
Protein change: p.Ala1387Thr; replaces alanine 1387 with threonine.
Molecular consequence: missense variant.
Genome position (GRCh38, 1-based): chr1:94,031,090, C>T on the plus strand (G>A on the coding strand, the complement: ABCA4 is on the minus strand). VCF-style: chr1-94031090-C-T. GRCh37 (hg19) VCF-style: chr1-94496646-C-T.
Other names: c.3937G>A, p.Ala1313Thr (NM_001425324.1); short protein forms A1387T, A1313T.
Identifiers: ClinVar variation 1714249 (VCV001714249.5), dbSNP rs2101035924, ClinGen allele CA341286373.

ClinVar aggregate classification (germline): Uncertain significance (1 of 4 stars; one submission).

Submission:

Labcorp Genetics (formerly Invitae), Labcorp
Classification: Uncertain significance. Last evaluated: 2022-07-29. Review status: criteria provided, single submitter. Criteria: Invitae Variant Classification Sherloc (09022015). Collection method: clinical testing. Allele origin: germline.
Comment: In summary, the available evidence is currently insufficient to determine the role of this variant in disease. Therefore, it has been classified as a Variant of Uncertain Significance. Advanced modeling of protein sequence and biophysical properties (such as structural, functional, and spatial information, amino acid conservation, physicochemical variation, residue mobility, and thermodynamic stability) performed at Invitae indicates that this missense variant is expected to disrupt ABCA4 protein function. This variant has not been reported in the literature in individuals affected with ABCA4-related conditions. This variant is not present in population databases (gnomAD no frequency). This sequence change replaces alanine, which is neutral and non-polar, with threonine, which is neutral and polar, at codon 1387 of the ABCA4 protein (p.Ala1387Thr).